The following is an entry in ClinVar:

NM_012470.4(TNPO3):c.1011+20A>G

Gene: TNPO3 (transportin 3; minus strand). Cytogenetic location: 7q32.1.
Variant type: single nucleotide variant.
Coding change: c.1011+20A>G on transcript NM_012470.4 (MANE Select); 20 bases into the intron after coding-DNA position 1011, A replaced by G.
Molecular consequence: intron variant.
Genome position (GRCh38, 1-based): chr7:129,000,409, T>C on the plus strand (A>G on the coding strand, the complement: TNPO3 is on the minus strand). VCF-style: chr7-129000409-T-C. GRCh37 (hg19) VCF-style: chr7-128640463-T-C.
Other names: c.867+20A>G (NM_001382221.1); c.1011+20A>G (NM_001382222.1, NM_001382219.1, NM_001382223.1 and 4 more transcripts); c.1092+20A>G (NM_001382217.1).
Identifiers: ClinVar variation 514857 (VCV000514857.3), dbSNP rs199605219, ClinGen allele CA4478277.
Genomic context (GRCh38, chr7:129,000,409, plus strand): 5'-TGGGCACGAGGTAATGAAATATAGATAATATGCAGCACACAACTTGGAGAATAATGGCCT[T>C]TGAATAGCATAAACACTACCTCATATTGAGGATGGCCTGCACAGATAAGCAGCAGCTCCA-3'

ClinVar aggregate classification (germline): Likely benign. Review status: criteria provided, multiple submitters, no conflicts (2 of 4 stars). 2 submissions from 2 submitters: Likely benign (2). Last evaluated 2024-05-06.

Conditions:
Autosomal dominant limb-girdle muscular dystrophy type 1F (LGMDD2). Also called: MUSCULAR DYSTROPHY, LIMB-GIRDLE, AUTOSOMAL DOMINANT 2; Limb-girdle muscular dystrophy, type 1F. Identifiers: Orphanet 55595, MedGen C1842062, MONDO:0012034, OMIM 608423.

Allele frequency attached by ClinVar (database versions not stated): ExAC 0.00001; gnomAD exomes 0.00001 and 0.00002; TOPMed 0.00001; gnomAD 0.00003; ESP Exome Variant Server 0.00008; 1000 Genomes Project 30x 0.00016; 1000 Genomes Project 0.00020.
gnomAD v4.1: 20 of 1,586,160 alleles (0.0013%); highest among the groups gnomAD compares: African/African-American, 0.0027%; no homozygotes.

Submissions (2):

Labcorp Genetics (formerly Invitae), Labcorp
Classification: Likely benign for Autosomal dominant limb-girdle muscular dystrophy type 1F. Last evaluated: 2024-05-06. Review status: criteria provided, single submitter. Criteria: Invitae Variant Classification Sherloc (09022015). Collection method: clinical testing. Allele origin: germline.

GeneDx
Classification: Likely benign. Last evaluated: 2018-01-18. Review status: criteria provided, single submitter. Criteria: GeneDx Variant Classification (06012015). Collection method: clinical testing. Allele origin: germline. Affected: yes.
Comment: This variant is considered likely benign or benign based on one or more of the following criteria: it is a conservative change, it occurs at a poorly conserved position in the protein, it is predicted to be benign by multiple in silico algorithms, and/or has population frequency not consistent with disease.